The following is an entry in ClinVar:

NM_001277115.2(DNAH11):c.13313G>A (p.Trp4438Ter)

Genes: CDCA7L (cell division cycle associated 7 like; minus strand), DNAH11 (dynein axonemal heavy chain 11; plus strand). Cytogenetic location: 7p15.3.
Variant type: single nucleotide variant.
Coding change: c.13313G>A on transcript NM_001277115.2 (MANE Select); coding-DNA position 13313, G replaced by A.
Protein change: p.Trp4438Ter; replaces tryptophan 4438 with a stop codon.
Molecular consequence: nonsense. On other transcripts: 3 prime UTR variant (3).
Genome position (GRCh38, 1-based): chr7:21,901,016, G>A. VCF-style: chr7-21901016-G-A. GRCh37 (hg19) VCF-style: chr7-21940634-G-A.
Other names: c.*1306C>T (NM_001127370.3, NM_001127371.3, NM_018719.5); short protein forms W4438*.
Identifiers: ClinVar variation 2890820 (VCV002890820.3), dbSNP rs1784790339, ClinGen allele CA366956515.

ClinVar aggregate classification (germline): Pathogenic (1 of 4 stars; one submission).

Conditions:
Primary ciliary dyskinesia. Also called: Ciliary dyskinesia. Identifiers: Orphanet 244, MedGen C0008780, MONDO:0016575, HP:0012265.

Allele frequency attached by ClinVar (database versions not stated): gnomAD exomes 0.00001.
gnomAD v4.1: 7 of 1,593,368 alleles (0.00044%); highest among the groups gnomAD compares: Non-Finnish European, 0.0006%; no homozygotes.

Submission:

Labcorp Genetics (formerly Invitae), Labcorp
Classification: Pathogenic for Primary ciliary dyskinesia. Last evaluated: 2023-07-06. Review status: criteria provided, single submitter. Criteria: Invitae Variant Classification Sherloc (09022015). Collection method: clinical testing. Allele origin: germline.
Comment: For these reasons, this variant has been classified as Pathogenic. This variant disrupts a region of the DNAH11 protein in which other variant(s) (p.Trp4505Serfs*10) have been determined to be pathogenic (Invitae). This suggests that this is a clinically significant region of the protein, and that variants that disrupt it are likely to be disease-causing. This variant has not been reported in the literature in individuals affected with DNAH11-related conditions. This variant is not present in population databases (gnomAD no frequency). This sequence change creates a premature translational stop signal (p.Trp4438*) in the DNAH11 gene. While this is not anticipated to result in nonsense mediated decay, it is expected to disrupt the last 79 amino acid(s) of the DNAH11 protein.